The following is an entry in ClinVar:

NM_006420.3(ARFGEF2):c.4649TCA[1] (p.Ile1551del)

Gene: ARFGEF2 (ARF guanine nucleotide exchange factor 2; plus strand). Cytogenetic location: 20q13.13.
Variant type: Microsatellite.
Coding change: c.4649TCA[1] on transcript NM_006420.3 (MANE Select); one copy of the 3-base unit TCA starting at c.4649; the reference has two copies in a row; one copy, 3 bases deleted; also written c.4652_4654del.
Protein change: p.Ile1551del; deletes isoleucine 1551.
Molecular consequence: inframe deletion.
Genome position (GRCh38, 1-based): chr20:49,023,078-49,023,080, TCA deleted; deleting any 3 consecutive bases within chr20:49,023,075-49,023,080 gives the same sequence; the position shown is the placement nearest the transcript's 3' end. VCF-style (leftmost placement, unchanged base first): chr20-49023074-CTCA-C. GRCh37 (hg19) VCF-style: chr20-47639611-CTCA-C.
Other names: c.4652_4654del (NM_006420.3); c.4646TCA[1], p.Ile1550del (NM_001410846.1); short protein forms I1550del, I1551del.
Identifiers: ClinVar variation 5007671 (VCV005007671.2).
Genomic context (GRCh38, chr20:49,023,074, plus strand): 5'-AATCATTATTAGGGTTAATCTTTATCATCTAACATAGATCAGAAACTGTTTGCCAGCCTC[CTCA>C]TCAAGTGTGTGGTCCAGTTGGAATTGATACAGACCATTGACAACATTGTGTTCTACCCTG-3'

ClinVar aggregate classification (germline): Uncertain significance (1 of 4 stars; one submission).

Conditions:
Periventricular heterotopia with microcephaly, autosomal recessive (ARPHM). Also called: PERIVENTRICULAR NODULAR HETEROTOPIA 2; Periventricular heterotopia with microcephaly. Identifiers: Orphanet 2149, MedGen C1842563, MONDO:0011966, OMIM 608097.

Submission:

Juno Genomics, Hangzhou Juno Genomics, Inc
Classification: Uncertain significance for Periventricular heterotopia with microcephaly, autosomal recessive. Review status: criteria provided, single submitter. Criteria: ACMG Guidelines, 2015. Collection method: clinical testing. Allele origin: germline.
Comment: Absent from controls (or at extremely low frequency if recessive) in Genome Aggregation Database.;Protein length changes due to in-frame deletions/insertions in a non-repeat region or stop-loss variants.